The following is an entry in ClinVar:

ClinVar aggregate classification (germline): Likely benign (0 of 4 stars; one submission).

Conditions:
CSDE1-related disorder. Also called: CSDE1-related condition.

Submissions (3):

PreventionGenetics, part of Exact Sciences
Classification: Likely benign for CSDE1-related condition. Last evaluated: 2019-02-28. Review status: no assertion criteria provided. Collection method: clinical testing. Allele origin: germline.
Comment: This variant is classified as likely benign based on ACMG/AMP sequence variant interpretation guidelines (Richards et al. 2015 PMID: 25741868, with internal and published modifications).

Dr. Peter K. Rogan Lab, Western University
No classification provided (evidence only). Condition: Gastric cancer. Review status: no classification provided. Collection method: in vitro. Allele origin: not applicable. Functional consequence: skipped exon. Not counted in ClinVar's aggregate classification.

Dr. Peter K. Rogan Lab, Western University
No classification provided (evidence only). Condition: Gastric cancer. Review status: no classification provided. Collection method: in vitro. Allele origin: not applicable. Functional consequence: retained intron. Not counted in ClinVar's aggregate classification.

NM_001007553.3(CSDE1):c.310-11_310-10del

Gene: CSDE1 (cold shock domain containing E1; minus strand). Cytogenetic location: 1p13.2.
Variant type: Deletion.
Coding change: c.310-11_310-10del on transcript NM_001007553.3 (MANE Select); 11 bases into the intron before coding-DNA position 310 through 10 bases into the intron before coding-DNA position 310, 2 bases deleted (TT; older notation c.310-11_310-10delTT).
Molecular consequence: intron variant.
Genome position (GRCh38, 1-based): chr1:114,737,573-114,737,574, AA deleted on the plus strand (TT on the coding strand, the reverse complement: CSDE1 is on the minus strand); deleting any 2 consecutive bases within chr1:114,737,573-114,737,585 gives the same sequence; the c. name uses the placement nearest the transcript's 3' end. VCF-style (leftmost placement, unchanged base first): chr1-114737572-CAA-C. GRCh37 (hg19) VCF-style: chr1-115280193-CAA-C.
Other names: NC_000001.10:g.115280205_115280206del; c.310-22_310-21del (NM_001007553.3); c.309+389_309+390del (NM_001242893.2, NM_007158.6); c.310-11_310-10del (NM_001242892.2); c.447+389_447+390del (NM_001130523.3); c.448-11_448-10del (NM_001242891.2).
Identifiers: ClinVar variation 3045970 (VCV003045970.3), dbSNP rs369107001, ClinGen allele CA1021329.